The following is an entry in ClinVar:

NM_006904.7(PRKDC):c.482C>G (p.Ala161Gly)

Gene: PRKDC (protein kinase, DNA-activated, catalytic subunit; minus strand). Cytogenetic location: 8q11.21.
Variant type: single nucleotide variant.
Coding change: c.482C>G on transcript NM_006904.7 (MANE Select); coding-DNA position 482, C replaced by G.
Protein change: p.Ala161Gly; replaces alanine 161 with glycine.
Molecular consequence: missense variant.
Genome position (GRCh38, 1-based): chr8:47,954,364, G>C on the plus strand (C>G on the coding strand, the complement: PRKDC is on the minus strand). VCF-style: chr8-47954364-G-C. GRCh37 (hg19) VCF-style: chr8-48866924-G-C.
Other names: c.482C>G, p.Ala161Gly (NM_001081640.2); short protein forms A161G.
Identifiers: ClinVar variation 1743412 (VCV001743412.2), dbSNP rs1243155995, ClinGen allele CA371139050.

ClinVar aggregate classification (germline): Uncertain significance (1 of 4 stars; one submission).

Submission:

Ambry Genetics
Classification: Uncertain significance. Last evaluated: 2021-06-20. Review status: criteria provided, single submitter. Criteria: Ambry Variant Classification Scheme 2023. Collection method: clinical testing. Allele origin: germline.
Comment: The p.A161G variant (also known as c.482C>G), located in coding exon 5 of the PRKDC gene, results from a C to G substitution at nucleotide position 482. The alanine at codon 161 is replaced by glycine, an amino acid with similar properties. This amino acid position is conserved. In addition, this alteration is predicted to be tolerated by in silico analysis. Since supporting evidence is limited at this time, the clinical significance of this alteration remains unclear.